The following is an entry in ClinVar:

NM_001042424.3(NSD2):c.1545A>C (p.Glu515Asp)

Gene: NSD2 (nuclear receptor binding SET domain protein 2; plus strand). Cytogenetic location: 4p16.3.
Variant type: single nucleotide variant.
Coding change: c.1545A>C on transcript NM_001042424.3 (MANE Select); coding-DNA position 1545, A replaced by C.
Protein change: p.Glu515Asp; replaces glutamic acid 515 with aspartic acid.
Molecular consequence: missense variant.
Genome position (GRCh38, 1-based): chr4:1,930,760, A>C. VCF-style: chr4-1930760-A-C. GRCh37 (hg19) VCF-style: chr4-1932487-A-C.
Other names: c.1545A>C, p.Glu515Asp (NM_007331.2, NM_133330.3, NM_133331.3 and 2 more transcripts); short protein forms E515D.
Identifiers: ClinVar variation 2577181 (VCV002577181.2), dbSNP rs1418163207, ClinGen allele CA355977415.
Genomic context (GRCh38, chr4:1,930,760, plus strand): 5'-TGAGAAGCAGAGAGCACGCTACAACACCAAGTTTGCCCTGGTGGCCCCTGTCCAGGCTGA[A>C]GAAGACTCTGGTAAACATAGCATTATGCTGATGTCCTCTGCTTGGGTTGATGTGTGTAGT-3'
Protein context (NP_001035889.1, residues 505-525): KFALVAPVQA[Glu515Asp]EDSGNVNGKK

ClinVar aggregate classification (germline): Uncertain significance (1 of 4 stars; one submission).

Allele frequency attached by ClinVar (database versions not stated): gnomAD exomes below 0.00001.
gnomAD v4.1: 1 of 1,613,300 alleles (0.000062%); highest among the groups gnomAD compares: Non-Finnish European, 0.000085%; no homozygotes.

Submission:

Women's Health and Genetics/Laboratory Corporation of America, LabCorp
Classification: Uncertain significance. Last evaluated: 2024-12-19. Review status: criteria provided, single submitter. Criteria: LabCorp Variant Classification Summary - May 2015. Collection method: clinical testing. Allele origin: germline.
Comment: Variant summary: NSD2 c.1545A>C (p.Glu515Asp) results in a conservative amino acid change located in the High mobility group box domain (IPR009071) of the encoded protein sequence. Three of five in-silico tools predict a benign effect of the variant on protein function. The variant was absent in 250388 control chromosomes. The available data on variant occurrences in the general population are insufficient to allow any conclusion about variant significance. To our knowledge, no occurrence of c.1545A>C in individuals affected with Rauch-Steindl Syndrome and no experimental evidence demonstrating its impact on protein function have been reported. ClinVar contains an entry for this variant (Variation ID: 2577181). Based on the evidence outlined above, the variant was classified as uncertain significance.